The following is an entry in ClinVar:

NC_000023.10:g.(?_153131284)_(153132386_?)del

Gene: L1CAM (L1 cell adhesion molecule; minus strand). Cytogenetic location: Xq28.
Variant type: Deletion.
Identifiers: ClinVar variation 3243739 (VCV003243739.1).

ClinVar aggregate classification (germline): Pathogenic (1 of 4 stars; one submission).

Conditions:
Spastic paraplegia. Identifiers: MedGen C0037772, HP:0001258.

Submission:

Labcorp Genetics (formerly Invitae), Labcorp
Classification: Pathogenic for Spastic paraplegia. Last evaluated: 2023-11-14. Review status: criteria provided, single submitter. Criteria: Invitae Variant Classification Sherloc (09022015). Collection method: clinical testing. Allele origin: unknown.
Comment: This variant is a gross deletion of the genomic region encompassing exon(s) 18 of the L1CAM gene. This deletion is out-of-frame, and is expected to create a premature termination codon and result in an absent or disrupted protein product. Loss-of-function variants in L1CAM are known to be pathogenic (PMID: 19846429). This variant has not been reported in the literature in individuals affected with L1CAM-related conditions. For these reasons, this variant has been classified as Pathogenic.

Literature cited by the submitters: PubMed 19846429.